The following is an entry in ClinVar:

ClinVar aggregate classification (germline): Likely pathogenic. Review status: criteria provided, multiple submitters, no conflicts (2 of 4 stars). 2 submissions from 2 submitters: Likely pathogenic (2). Last evaluated 2025-05-02.

Conditions:
Cardiovascular phenotype. Identifiers: MedGen CN230736.

Submissions (2):

GeneDx
Classification: Likely pathogenic. Last evaluated: 2025-05-02. Review status: criteria provided, single submitter. Criteria: GeneDx Variant Classification Process June 2021. Collection method: clinical testing. Allele origin: germline. Affected: yes.
Comment: Identified in patients with KCNH2-related long QT syndrome referred for genetic testing at GeneDx and in published literature (PMID: 24363352); Not observed at significant frequency in large population cohorts (gnomAD); In silico analysis supports that this missense variant has a deleterious effect on protein structure/function; This variant is associated with the following publications: (PMID: 24363352)

Ambry Genetics
Classification: Likely pathogenic for Cardiovascular phenotype. Last evaluated: 2018-07-26. Review status: criteria provided, single submitter. Criteria: Ambry Variant Classification Scheme 2023. Collection method: clinical testing. Allele origin: germline.
Comment: The p.G628R variant (also known as c.1882G>C), located in coding exon 7 of the KCNH2 gene, results from a G to C substitution at nucleotide position 1882. The glycine at codon 628 is replaced by arginine, an amino acid with dissimilar properties. This alteration impacts the highly conserved ion selectivity filter (SVGFGN) located between transmembrane helices S5 and S6. This variant was detected in an individual reported to have long QT syndrome (LQTS) (Yoshinaga M et al. Circ Arrhythm Electrophysiol, 2014 Feb;7:107-12). Internal structural analysis indicates that this variant disrupts the ion channel pore and is expected to eliminate the K+ selectivity of the K+ channel (Tao X et al. Science. 2009;326(5960):1668-74; Whorton MR and MacKinnon R. Cell. 2011;147(1):199-208; Ambry internal data). Other variants affecting this amino acid (p.G628V, p.G628S, p.G628A, p.G628D) have also been reported in association with LQTS (Tester DJ et al. Heart Rhythm, 2005 May;2:507-17; Horigome H et al. Circ Arrhythm Electrophysiol, 2010 Feb;3:10-7; Kato K et al. J. Cardiovasc. Electrophysiol, 2014 Jan;25:66-73). This amino acid position is highly conserved in available vertebrate species. In addition, this alteration is predicted to be deleterious by in silico analysis. Based on the majority of available evidence to date, this variant is likely to be pathogenic.

Literature cited by the submitters: PubMed 15840476 (cited by Ambry Genetics); PubMed 19996378 (cited by Ambry Genetics); PubMed 24112685 (cited by Ambry Genetics); PubMed 24363352 (cited by Ambry Genetics).

NM_000238.4(KCNH2):c.1882G>C (p.Gly628Arg)

Gene: KCNH2 (potassium voltage-gated channel subfamily H member 2; minus strand). Cytogenetic location: 7q36.1.
Variant type: single nucleotide variant.
Coding change: c.1882G>C on transcript NM_000238.4 (MANE Select); coding-DNA position 1882, G replaced by C.
Protein change: p.Gly628Arg; replaces glycine 628 with arginine.
Molecular consequence: missense variant.
Genome position (GRCh38, 1-based): chr7:150,951,511, C>G on the plus strand (G>C on the coding strand, the complement: KCNH2 is on the minus strand). VCF-style: chr7-150951511-C-G. GRCh37 (hg19) VCF-style: chr7-150648599-C-G.
Other names: p.G628R:GGC>CGC; c.862G>C, p.Gly288Arg (NM_001204798.2, NM_172057.3); c.1594G>C, p.Gly532Arg (NM_001406753.1, NM_001406756.1); c.1705G>C, p.Gly569Arg (NM_001406755.1); c.1582G>C, p.Gly528Arg (NM_001406757.1); c.1882G>C, p.Gly628Arg (NM_172056.3); short protein forms G288R, G628R, G528R, G532R, G569R.
Identifiers: ClinVar variation 200749 (VCV000200749.9), dbSNP rs121912507, ClinGen allele CA005813.